The following is an entry in ClinVar:

ClinVar aggregate classification (germline): Uncertain significance (1 of 4 stars; one submission).

Submission:

Labcorp Genetics (formerly Invitae), Labcorp
Classification: Uncertain significance. Last evaluated: 2024-12-02. Review status: criteria provided, single submitter. Criteria: Invitae Variant Classification Sherloc (09022015). Collection method: clinical testing. Allele origin: germline.
Comment: This sequence change replaces glycine, which is neutral and non-polar, with aspartic acid, which is acidic and polar, at codon 864 of the MPDZ protein (p.Gly864Asp). This variant is not present in population databases (gnomAD no frequency). This variant has not been reported in the literature in individuals affected with MPDZ-related conditions. ClinVar contains an entry for this variant (Variation ID: 1509113). An algorithm developed to predict the effect of missense changes on protein structure and function outputs the following: PolyPhen-2: "Benign". The aspartic acid amino acid residue is found in multiple mammalian species, which suggests that this missense change does not adversely affect protein function. In summary, the available evidence is currently insufficient to determine the role of this variant in disease. Therefore, it has been classified as a Variant of Uncertain Significance.

NM_001378778.1(MPDZ):c.2591G>A (p.Gly864Asp)

Gene: MPDZ (multiple PDZ domain crumbs cell polarity complex component; minus strand). Cytogenetic location: 9p23.
Variant type: single nucleotide variant.
Coding change: c.2591G>A on transcript NM_001378778.1 (MANE Select); coding-DNA position 2591, G replaced by A.
Protein change: p.Gly864Asp; replaces glycine 864 with aspartic acid.
Molecular consequence: missense variant.
Genome position (GRCh38, 1-based): chr9:13,183,476, C>T on the plus strand (G>A on the coding strand, the complement: MPDZ is on the minus strand). VCF-style: chr9-13183476-C-T. GRCh37 (hg19) VCF-style: chr9-13183475-C-T.
Other names: c.2591G>A, p.Gly864Asp (NM_001261406.2, NM_001375423.1, NM_001375424.1 and 14 more transcripts); short protein forms G864D.
Identifiers: ClinVar variation 1509113 (VCV001509113.6), dbSNP rs1422810012, ClinGen allele CA372935678.